The following is an entry in ClinVar:

ClinVar aggregate classification (germline): Uncertain significance (1 of 4 stars; one submission).

Conditions:
Familial hypercholesterolemia. Also called: Familial hypercholesterolaemia. Identifiers: MedGen C0020445, MONDO:0005439.

Submission:

Color Diagnostics, LLC DBA Color Health
Classification: Uncertain significance for Familial hypercholesterolemia. Last evaluated: 2025-05-20. Review status: criteria provided, single submitter. Criteria: ACMG Guidelines, 2015. Collection method: clinical testing. Allele origin: germline.
Comment: This missense variant replaces asparagine with isoleucine at codon 254 of the PCSK9 protein. Computational prediction tool is inconclusive regarding the impact of this variant on protein structure and function. To our knowledge, functional studies have not been reported for this variant. This variant has not been reported in individuals affected with PCSK9-related disorders in the literature. This variant has not been identified in the general population by the Genome Aggregation Database (gnomAD). The available evidence is insufficient to determine the role of this variant in disease conclusively. Therefore, this variant is classified as a Variant of Uncertain Significance.

NM_174936.4(PCSK9):c.761A>T (p.Asn254Ile)

Gene: PCSK9 (proprotein convertase subtilisin/kexin type 9; plus strand). Cytogenetic location: 1p32.3.
Variant type: single nucleotide variant.
Coding change: c.761A>T on transcript NM_174936.4 (MANE Select); coding-DNA position 761, A replaced by T.
Protein change: p.Asn254Ile; replaces asparagine 254 with isoleucine.
Molecular consequence: missense variant. On other transcripts: non-coding transcript variant (8).
Genome position (GRCh38, 1-based): chr1:55,052,753, A>T. VCF-style: chr1-55052753-A-T. GRCh37 (hg19) VCF-style: chr1-55518426-A-T.
Other names: c.884A>T, p.Asn295Ile (NM_001407240.1); c.761A>T, p.Asn254Ile (NM_001407241.1, NM_001407244.1, NM_001407247.1); c.764A>T, p.Asn255Ile (NM_001407242.1); c.704A>T, p.Asn235Ile (NM_001407243.1); c.569A>T, p.Asn190Ile (NM_001407245.1); c.386A>T, p.Asn129Ile (NM_001407246.1); short protein forms N129I, N190I, N235I, N254I, N255I, N295I.
Identifiers: ClinVar variation 4758722 (VCV004758722.1).